The following is an entry in ClinVar:

NM_001164277.2(SLC37A4):c.287G>A (p.Trp96Ter)

Gene: SLC37A4 (solute carrier family 37 member 4; minus strand). Cytogenetic location: 11q23.3.
Variant type: single nucleotide variant.
Coding change: c.287G>A on transcript NM_001164277.2 (MANE Select); coding-DNA position 287, G replaced by A.
Protein change: p.Trp96Ter; replaces tryptophan 96 with a stop codon.
Molecular consequence: nonsense.
Genome position (GRCh38, 1-based): chr11:119,028,288, C>T on the plus strand (G>A on the coding strand, the complement: SLC37A4 is on the minus strand). VCF-style: chr11-119028288-C-T. GRCh37 (hg19) VCF-style: chr11-118898998-C-T.
Other names: c.287G>A, p.Trp96Ter (NM_001164278.2, NM_001164280.2, NM_001467.6); c.68G>A, p.Trp23Ter (NM_001164279.2); short protein forms W96*, W23*.
Identifiers: ClinVar variation 6928 (VCV000006928.16), dbSNP rs121908976, ClinGen allele CA118561.
Genomic context (GRCh38, chr11:119,028,288, plus strand): 5'-AGCCCCTGGGCCAGGCCATTAAGGAACCAGAGGGCAGCAAAGACAGGTACTGTGGAGCTC[C>T]AGGCAAAGAATATGTTGACCAGGCCAACCAGGAGCAGCCCAGAAGAGAAGAGCCAGCGAG-3'

ClinVar aggregate classification (germline): Pathogenic. Review status: criteria provided, multiple submitters, no conflicts (2 of 4 stars). 5 submissions from 5 submitters: Pathogenic (3). 2 of the submissions do not count toward it. Last evaluated 2024-09-30.

Conditions:
Glucose-6-phosphate transport defect (GSD1B). Also called: Glycogen Storage Disease Type Ib; GSD Ib. Identifiers: Orphanet 364, Orphanet 79259, MedGen C0268146, MONDO:0009288, OMIM 232220.
Phosphate transport defect (GSD1C). Also called: GSD Ic; GLYCOGEN STORAGE DISEASE Ic. Identifiers: Orphanet 364, Orphanet 79259, MedGen C0342749, OMIM 232240.

Allele frequency attached by ClinVar (database versions not stated): gnomAD exomes 0.00001 and 0.00003.

Submissions (5):

Natera, Inc.
Classification: Pathogenic for Glycogen storage disease type Ib. Last evaluated: 2024-09-30. Review status: criteria provided, single submitter. Criteria: Natera Variant Classification Schema (03/2026). Collection method: clinical testing. Allele origin: germline.
Comment: The c.287G>A variant in SLC37A4 is a nonsense variant predicted to introduce a stop codon at amino acid 96. This variant is expected to result in nonsense mediated decay, truncation, or a dysfunctional protein product. This variant is rare in the general population with a frequency below the threshold expected for the associated phenotype(s). This variant has been observed in one or more individuals affected with the associated recessive disease, as either homozygous or compound heterozygous with a second variant (PMID: 10940311, 38733639, 9758626, 10482962). Additionally, this variant has been observed to segregate in affected family members (PMID: 10482962). Given the available evidence, this variant is classified as Pathogenic.

Labcorp Genetics (formerly Invitae), Labcorp
Classification: Pathogenic for Glucose-6-phosphate transport defect. Last evaluated: 2023-11-27. Review status: criteria provided, single submitter. Criteria: Invitae Variant Classification Sherloc (09022015). Collection method: clinical testing. Allele origin: germline.
Comment: This sequence change creates a premature translational stop signal (p.Trp96*) in the SLC37A4 gene. It is expected to result in an absent or disrupted protein product. Loss-of-function variants in SLC37A4 are known to be pathogenic (PMID: 9758626, 10940311). The frequency data for this variant in the population databases is considered unreliable, as metrics indicate poor data quality at this position in the gnomAD database. This premature translational stop signal has been observed in individual(s) with glycogen storage disease (PMID: 9758626). ClinVar contains an entry for this variant (Variation ID: 6928). Algorithms developed to predict the effect of sequence changes on RNA splicing suggest that this variant may disrupt the consensus splice site. For these reasons, this variant has been classified as Pathogenic.

Baylor Genetics
Classification: Pathogenic for Glucose-6-phosphate transport defect. Last evaluated: 2023-01-17. Review status: criteria provided, single submitter. Criteria: ACMG Guidelines, 2015. Collection method: clinical testing. Allele origin: unknown.

Counsyl
Classification: Likely pathogenic for Glucose-6-phosphate transport defect. Last evaluated: 2014-12-01. Review status: no assertion criteria provided. Collection method: literature only. Allele origin: unknown. Inheritance: Autosomal recessive inheritance. Not counted in ClinVar's aggregate classification.

OMIM
Classification: Pathogenic for GLYCOGEN STORAGE DISEASE Ic. Last evaluated: 1998-10-01. Review status: no assertion criteria provided. Collection method: literature only. Allele origin: germline. Not counted in ClinVar's aggregate classification.

Literature cited by the submitters: PubMed 10940311 (cited by 3 submitters); PubMed 38733639 (cited by Natera, Inc.); PubMed 9758626 (cited by 4 submitters); PubMed 10482962 (cited by Natera, Inc. and Counsyl); PubMed 15757503 (cited by Counsyl).